The following is an entry in ClinVar:

ClinVar aggregate classification (germline): Likely benign (1 of 4 stars; one submission).

Conditions:
USP53-related disorder. Also called: USP53-related condition.

gnomAD v4.1: 21 of 1,612,318 alleles (0.0013%); highest among the groups gnomAD compares: South Asian, 0.011%; no homozygotes.

Submission:

PreventionGenetics, part of Exact Sciences
Classification: Likely benign for USP53-related condition. Last evaluated: 2026-08-11. Review status: criteria provided, single submitter. Criteria: ACMG Guidelines, 2015. Collection method: clinical testing. Allele origin: germline.
Comment: This variant is classified as likely benign based on ACMG/AMP sequence variant interpretation guidelines (Richards et al. 2015 PMID: 25741868, with internal and published modifications).

NM_001371395.1(USP53):c.636A>G (p.Leu212=)

Gene: USP53 (ubiquitin specific peptidase 53; plus strand). Cytogenetic location: 4q26.
Variant type: single nucleotide variant.
Coding change: c.636A>G on transcript NM_001371395.1 (MANE Select); coding-DNA position 636, A replaced by G.
Protein change: p.Leu212=; no amino-acid change (leucine 212 retained).
Molecular consequence: synonymous variant.
Genome position (GRCh38, 1-based): chr4:119,259,886, A>G. VCF-style: chr4-119259886-A-G. GRCh37 (hg19) VCF-style: chr4-120181041-A-G.
Other names: c.636A>G, p.Leu212= (NM_001371396.1, NM_001371397.1, NM_001371398.1 and 6 more transcripts); c.288A>G, p.Leu96= (NM_001389662.1, NM_001389663.1, NM_001389664.1 and 3 more transcripts).
Identifiers: ClinVar variation 4987699 (VCV004987699.1).